The following is an entry in ClinVar:

NM_006978.3(RNF113A):c.952G>A (p.Glu318Lys)

Gene: RNF113A (ring finger protein 113A; minus strand). Cytogenetic location: Xq24.
Variant type: single nucleotide variant.
Coding change: c.952G>A on transcript NM_006978.3 (MANE Select); coding-DNA position 952, G replaced by A.
Protein change: p.Glu318Lys; replaces glutamic acid 318 with lysine.
Molecular consequence: missense variant.
Genome position (GRCh38, 1-based): chrX:119,870,662, C>T on the plus strand (G>A on the coding strand, the complement: RNF113A is on the minus strand). VCF-style: chrX-119870662-C-T. GRCh37 (hg19) VCF-style: chrX-119004625-C-T.
Other names: short protein forms E318K.
Identifiers: ClinVar variation 1911173 (VCV001911173.6), dbSNP rs201723924, ClinGen allele CA10503425.

ClinVar aggregate classification (germline): Uncertain significance. Review status: criteria provided, multiple submitters, no conflicts (2 of 4 stars). 2 submissions from 2 submitters: Uncertain significance (2). Last evaluated 2022-11-30.

Allele frequency attached by ClinVar (database versions not stated): gnomAD exomes 0.00001; gnomAD 0.00002; ExAC 0.00005; 1000 Genomes Project 30x 0.00021; 1000 Genomes Project 0.00026.

Submissions (2):

Ambry Genetics
Classification: Uncertain significance. Last evaluated: 2022-11-30. Review status: criteria provided, single submitter. Criteria: Ambry Variant Classification Scheme 2023. Collection method: clinical testing. Allele origin: germline.

Labcorp Genetics (formerly Invitae), Labcorp
Classification: Uncertain significance. Last evaluated: 2022-05-29. Review status: criteria provided, single submitter. Criteria: Invitae Variant Classification Sherloc (09022015). Collection method: clinical testing. Allele origin: germline.
Comment: This sequence change replaces glutamic acid, which is acidic and polar, with lysine, which is basic and polar, at codon 318 of the RNF113A protein (p.Glu318Lys). This variant is present in population databases (rs201723924, gnomAD 0.02%). This variant has not been reported in the literature in individuals affected with RNF113A-related conditions. Algorithms developed to predict the effect of missense changes on protein structure and function (SIFT, PolyPhen-2, Align-GVGD) all suggest that this variant is likely to be tolerated. In summary, the available evidence is currently insufficient to determine the role of this variant in disease. Therefore, it has been classified as a Variant of Uncertain Significance.